The following is an entry in ClinVar:

ClinVar aggregate classification (germline): Uncertain significance. Review status: criteria provided, multiple submitters, no conflicts (2 of 4 stars). 2 submissions from 2 submitters: Uncertain significance (2). Last evaluated 2026-07-11.

Conditions:
SEMA3F-related disorder. Also called: SEMA3F-related condition.

gnomAD v4.1: 38 of 1,613,062 alleles (0.0024%); highest among the groups gnomAD compares: Admixed American, 0.012%; no homozygotes.

Submissions (2):

PreventionGenetics, part of Exact Sciences
Classification: Uncertain significance for SEMA3F-related condition. Last evaluated: 2026-07-11. Review status: criteria provided, single submitter. Criteria: ACMG Guidelines, 2015. Collection method: clinical testing. Allele origin: germline.
Comment: The SEMA3F c.2104G>A variant is predicted to result in the amino acid substitution p.Val702Ile. To our knowledge, this variant has not been reported in the literature. This variant is reported in 0.012% of alleles in individuals of Latino descent in gnomAD. At this time, the clinical significance of this variant is uncertain due to the absence of conclusive functional and genetic evidence.

Ambry Genetics
Classification: Uncertain significance. Last evaluated: 2024-05-30. Review status: criteria provided, single submitter. Criteria: Ambry Variant Classification Scheme 2023. Collection method: clinical testing. Allele origin: germline.

NM_004186.5(SEMA3F):c.2104G>A (p.Val702Ile)

Gene: SEMA3F (semaphorin 3F; plus strand). Cytogenetic location: 3p21.31.
Variant type: single nucleotide variant.
Coding change: c.2104G>A on transcript NM_004186.5 (MANE Select); coding-DNA position 2104, G replaced by A.
Protein change: p.Val702Ile; replaces valine 702 with isoleucine.
Molecular consequence: missense variant.
Genome position (GRCh38, 1-based): chr3:50,187,861, G>A. VCF-style: chr3-50187861-G-A. GRCh37 (hg19) VCF-style: chr3-50225294-G-A.
Other names: c.2104G>A (NM_004186.4); c.1807G>A, p.Val603Ile (NM_001318798.2); c.2011G>A, p.Val671Ile (NM_001318800.2); short protein forms V603I, V702I, V671I.
Identifiers: ClinVar variation 3317298 (VCV003317298.3).